The following is an entry in ClinVar:

NM_005902.4(SMAD3):c.644C>T (p.Ala215Val)

Gene: SMAD3 (SMAD family member 3; plus strand). Cytogenetic location: 15q22.33.
Variant type: single nucleotide variant.
Coding change: c.644C>T on transcript NM_005902.4 (MANE Select); coding-DNA position 644, C replaced by T.
Protein change: p.Ala215Val; replaces alanine 215 with valine.
Molecular consequence: missense variant.
Genome position (GRCh38, 1-based): chr15:67,170,590, C>T. VCF-style: chr15-67170590-C-T. GRCh37 (hg19) VCF-style: chr15-67462928-C-T.
Other names: c.329C>T, p.Ala110Val (NM_001145102.2); c.512C>T, p.Ala171Val (NM_001145103.2); c.59C>T, p.Ala20Val (NM_001145104.2); short protein forms A20V, A110V, A215V, A171V.
Identifiers: ClinVar variation 926446 (VCV000926446.3), dbSNP rs376353913, ClinGen allele CA392955060.
Genomic context (GRCh38, chr15:67,170,590, plus strand): 5'-CTCACAACTTGTCTCACCTCGCAGGTTCTCCAAACCTATCCCCGAATCCGATGTCCCCAG[C>T]ACATAATAACTTGGGTGAGTATCTCCTTGTGCACACAACTGGAACCCCCTCTAGCTGCAG-3'
Protein context (NP_005893.1, residues 205-225): PNLSPNPMSP[Ala215Val]HNNLDLQPVT

ClinVar aggregate classification (germline): Uncertain significance (1 of 4 stars; one submission).

Conditions:
Familial thoracic aortic aneurysm and aortic dissection (TAAD). Also called: Thoracic aortic aneurysms and dissections. Identifiers: Orphanet 91387, MedGen C4707243, MONDO:0019625.

Submission:

Color Diagnostics, LLC DBA Color Health
Classification: Uncertain significance for Familial thoracic aortic aneurysm and aortic dissection. Last evaluated: 2019-06-19. Review status: criteria provided, single submitter. Criteria: ACMG Guidelines, 2015. Collection method: clinical testing. Allele origin: germline.
Comment: This missense variant replaces alanine with valine at codon 215 of the SMAD3 protein. Computational prediction tools and conservation analyses are inconclusive regarding the impact of this variant on the protein function. Computational splicing tools suggest that this variant may not impact RNA splicing. To our knowledge, functional assays have not been performed for this variant nor has this variant been reported in individuals affected with cardiovascular disorders in the literature. This variant has not been identified in the general population by the Genome Aggregation Database (gnomAD). Available evidence is insufficient to determine the role of this variant in disease conclusively. Therefore, this variant is classified as a Variant of Uncertain Significance.